The following is an entry in ClinVar:

ClinVar aggregate classification (germline): Uncertain significance (1 of 4 stars; one submission).

Submission:

Labcorp Genetics (formerly Invitae), Labcorp
Classification: Uncertain significance. Last evaluated: 2024-01-20. Review status: criteria provided, single submitter. Criteria: Invitae Variant Classification Sherloc (09022015). Collection method: clinical testing. Allele origin: germline.
Comment: This sequence change replaces serine, which is neutral and polar, with arginine, which is basic and polar, at codon 78 of the STS protein (p.Ser78Arg). This variant is not present in population databases (gnomAD no frequency). This variant has not been reported in the literature in individuals affected with STS-related conditions. An algorithm developed to predict the effect of missense changes on protein structure and function (PolyPhen-2) suggests that this variant is likely to be disruptive. In summary, the available evidence is currently insufficient to determine the role of this variant in disease. Therefore, it has been classified as a Variant of Uncertain Significance.

NM_001320752.2(STS):c.219C>G (p.Ser73Arg)

Gene: STS (steroid sulfatase; plus strand). Cytogenetic location: Xp22.31.
Variant type: single nucleotide variant.
Coding change: c.219C>G on transcript NM_001320752.2 (MANE Select); coding-DNA position 219, C replaced by G.
Protein change: p.Ser73Arg; replaces serine 73 with arginine.
Molecular consequence: missense variant.
Genome position (GRCh38, 1-based): chrX:7,257,323, C>G. VCF-style: chrX-7257323-C-G. GRCh37 (hg19) VCF-style: chrX-7175364-C-G.
Other names: c.219C>G, p.Ser73Arg (NM_000351.7, NM_001320753.2, NM_001320754.2); c.255C>G, p.Ser85Arg (NM_001320750.3, NM_001320751.2); short protein forms S73R, S85R.
Identifiers: ClinVar variation 2710458 (VCV002710458.3), dbSNP rs2518617970, ClinGen allele CA412019480.